The following is an entry in ClinVar:

ClinVar aggregate classification (germline): Uncertain significance (1 of 4 stars; one submission).

Allele frequency attached by ClinVar (database versions not stated): gnomAD exomes 0.00002; gnomAD 0.00003 and 0.00004; TOPMed 0.00005.
gnomAD v4.1: 14 of 1,613,700 alleles (0.00087%); highest among the groups gnomAD compares: Admixed American, 0.022%; no homozygotes.

Submission:

Labcorp Genetics (formerly Invitae), Labcorp
Classification: Uncertain significance for Combined immunodeficiency due to DOCK8 deficiency. Last evaluated: 2021-09-14. Review status: criteria provided, single submitter. Criteria: Invitae Variant Classification Sherloc (09022015). Collection method: clinical testing. Allele origin: germline.
Comment: This sequence change replaces phenylalanine with leucine at codon 2073 of the DOCK8 protein (p.Phe2073Leu). The phenylalanine residue is moderately conserved and there is a small physicochemical difference between phenylalanine and leucine. This variant is not present in population databases (ExAC no frequency). This variant has not been reported in the literature in individuals affected with DOCK8-related conditions. Algorithms developed to predict the effect of missense changes on protein structure and function (SIFT, PolyPhen-2, Align-GVGD) all suggest that this variant is likely to be tolerated. In summary, the available evidence is currently insufficient to determine the role of this variant in disease. Therefore, it has been classified as a Variant of Uncertain Significance.

NM_203447.4(DOCK8):c.6219C>G (p.Phe2073Leu)

Gene: DOCK8 (dedicator of cytokinesis 8; plus strand). Cytogenetic location: 9p24.3.
Variant type: single nucleotide variant.
Coding change: c.6219C>G on transcript NM_203447.4 (MANE Select); coding-DNA position 6219, C replaced by G.
Protein change: p.Phe2073Leu; replaces phenylalanine 2073 with leucine.
Molecular consequence: missense variant.
Genome position (GRCh38, 1-based): chr9:463,667, C>G. VCF-style: chr9-463667-C-G. GRCh37 (hg19) VCF-style: chr9-463667-C-G.
Other names: c.5919C>G, p.Phe1973Leu (NM_001190458.2); c.6015C>G, p.Phe2005Leu (NM_001193536.2); short protein forms F2073L, F1973L, F2005L.
Identifiers: ClinVar variation 1419025 (VCV001419025.5), dbSNP rs1432715935, ClinGen allele CA372751845.